The following is an entry in ClinVar:

ClinVar aggregate classification (germline): Uncertain significance. Review status: criteria provided, multiple submitters, no conflicts (2 of 4 stars). 2 submissions from 2 submitters: Uncertain significance (2). Last evaluated 2024-05-14.

Conditions:
Colorectal cancer, hereditary nonpolyposis, type 7. Identifiers: Orphanet 144, MedGen C1858380, MONDO:0013725, OMIM 614385.

Submissions (2):

Ambry Genetics
Classification: Uncertain significance. Last evaluated: 2024-05-14. Review status: criteria provided, single submitter. Criteria: Ambry Variant Classification Scheme 2023. Collection method: clinical testing. Allele origin: germline.
Comment: The p.G643E variant (also known as c.1928G>A), located in coding exon 1 of the MLH3 gene, results from a G to A substitution at nucleotide position 1928. The glycine at codon 643 is replaced by glutamic acid, an amino acid with similar properties. This amino acid position is not well conserved in available vertebrate species. In addition, this alteration is predicted to be tolerated by in silico analysis. The evidence for this gene-disease relationship is limited; therefore, the clinical significance of this alteration is unclear.

Labcorp Genetics (formerly Invitae), Labcorp
Classification: Uncertain significance for Colorectal cancer, hereditary nonpolyposis, type 7. Last evaluated: 2024-04-10. Review status: criteria provided, single submitter. Criteria: Invitae Variant Classification Sherloc (09022015). Collection method: clinical testing. Allele origin: germline.
Comment: This sequence change replaces glycine, which is neutral and non-polar, with glutamic acid, which is acidic and polar, at codon 643 of the MLH3 protein (p.Gly643Glu). This variant is not present in population databases (gnomAD no frequency). This variant has not been reported in the literature in individuals affected with MLH3-related conditions. ClinVar contains an entry for this variant (Variation ID: 863910). Algorithms developed to predict the effect of missense changes on protein structure and function output the following: SIFT: "Not Available"; PolyPhen-2: "Benign"; Align-GVGD: "Not Available". The glutamic acid amino acid residue is found in multiple mammalian species, which suggests that this missense change does not adversely affect protein function. In summary, the available evidence is currently insufficient to determine the role of this variant in disease. Therefore, it has been classified as a Variant of Uncertain Significance.

NM_001040108.2(MLH3):c.1928G>A (p.Gly643Glu)

Gene: MLH3 (mutL homolog 3; minus strand). Cytogenetic location: 14q24.3.
Variant type: single nucleotide variant.
Coding change: c.1928G>A on transcript NM_001040108.2 (MANE Select); coding-DNA position 1928, G replaced by A.
Protein change: p.Gly643Glu; replaces glycine 643 with glutamic acid.
Molecular consequence: missense variant.
Genome position (GRCh38, 1-based): chr14:75,047,728, C>T on the plus strand (G>A on the coding strand, the complement: MLH3 is on the minus strand). VCF-style: chr14-75047728-C-T. GRCh37 (hg19) VCF-style: chr14-75514431-C-T.
Other names: c.1928G>A, p.Gly643Glu (NM_014381.3); short protein forms G643E.
Identifiers: ClinVar variation 863910 (VCV000863910.10), dbSNP rs1892351339, ClinGen allele CA390443740.